The following is an entry in ClinVar:

NM_002235.5(KCNA6):c.1231G>T (p.Asp411Tyr)

Genes: KCNA6 (potassium voltage-gated channel subfamily A member 6; plus strand), KCNA6-AS1 (KCNA6 antisense RNA 1; minus strand). Cytogenetic location: 12p13.32.
Variant type: single nucleotide variant.
Coding change: c.1231G>T on transcript NM_002235.5 (MANE Select); coding-DNA position 1231, G replaced by T.
Protein change: p.Asp411Tyr; replaces aspartic acid 411 with tyrosine.
Molecular consequence: missense variant. On other transcripts: non-coding transcript variant (3).
Genome position (GRCh38, 1-based): chr12:4,811,272, G>T. VCF-style: chr12-4811272-G-T. GRCh37 (hg19) VCF-style: chr12-4920438-G-T.
Other names: short protein forms D411Y.
Identifiers: ClinVar variation 3370851 (VCV003370851.1).

ClinVar aggregate classification (germline): Uncertain significance (1 of 4 stars; one submission).

gnomAD v4.1: 1 of 1,614,234 alleles (0.000062%); highest among the groups gnomAD compares: Non-Finnish European, 0.000085%; no homozygotes.

Submission:

GeneDx
Classification: Uncertain significance. Last evaluated: 2024-03-11. Review status: criteria provided, single submitter. Criteria: GeneDx Variant Classification Process June 2021. Collection method: clinical testing. Allele origin: germline. Affected: yes.
Comment: Not observed at significant frequency in large population cohorts (gnomAD); In silico analysis supports that this missense variant has a deleterious effect on protein structure/function; Has not been previously published as pathogenic or benign to our knowledge